The following is an entry in ClinVar:

ClinVar aggregate classification (germline): Uncertain significance (1 of 4 stars; one submission).

Submission:

Labcorp Genetics (formerly Invitae), Labcorp
Classification: Uncertain significance. Last evaluated: 2022-06-22. Review status: criteria provided, single submitter. Criteria: Invitae Variant Classification Sherloc (09022015). Collection method: clinical testing. Allele origin: germline.
Comment: In summary, the available evidence is currently insufficient to determine the role of this variant in disease. Therefore, it has been classified as a Variant of Uncertain Significance. This variant has not been reported in the literature in individuals affected with POMP-related conditions. This variant is a gross deletion of the genomic region encompassing exon(s) 6 of the POMP gene, which includes the termination codon. This deletion extends beyond the assayed region for this gene and therefore may encompass additional genes. While this deletion is not anticipated to lead to nonsense mediated decay, it is expected to alter mRNA translation or result in a truncated protein product.

NC_000013.10:g.(?_29252152)_(29252239_?)del

Gene: POMP (proteasome maturation protein; plus strand). Cytogenetic location: 13q12.3.
Variant type: Deletion.
Identifiers: ClinVar variation 2426247 (VCV002426247.4).